The following is an entry in ClinVar:

NM_024597.4(MAP7D3):c.745G>A (p.Val249Ile)

Gene: MAP7D3 (MAP7 domain containing 3; minus strand). Cytogenetic location: Xq26.3.
Variant type: single nucleotide variant.
Coding change: c.745G>A on transcript NM_024597.4 (MANE Select); coding-DNA position 745, G replaced by A.
Protein change: p.Val249Ile; replaces valine 249 with isoleucine.
Molecular consequence: missense variant.
Genome position (GRCh38, 1-based): chrX:136,232,212, C>T on the plus strand (G>A on the coding strand, the complement: MAP7D3 is on the minus strand). VCF-style: chrX-136232212-C-T. GRCh37 (hg19) VCF-style: chrX-135314371-C-T.
Other names: c.691G>A, p.Val231Ile (NM_001173516.1); c.640G>A, p.Val214Ile (NM_001173517.2); short protein forms V214I, V231I, V249I.
Identifiers: ClinVar variation 2661506 (VCV002661506.24), dbSNP rs191182608, ClinGen allele CA10525638.

ClinVar aggregate classification (germline): Likely benign (1 of 4 stars; one submission).

Allele frequency attached by ClinVar (database versions not stated): gnomAD exomes 0.00002; ExAC 0.00008; gnomAD 0.00011; TOPMed 0.00031; 1000 Genomes Project 0.00053; 1000 Genomes Project 30x 0.00062.
gnomAD v4.1: 42 of 1,185,571 alleles (0.0035%); highest among the groups gnomAD compares: Admixed American, 0.04%; no homozygotes.

Submission:

CeGaT Center for Human Genetics Tuebingen
Classification: Likely benign. Last evaluated: 2023-03-01. Review status: criteria provided, single submitter. Criteria: CeGaT Center For Human Genetics Tuebingen Variant Classification Criteria Version 2. Collection method: clinical testing. Allele origin: germline. Affected: yes. Observed: 1 variant allele.
Comment: MAP7D3: BP4, BS2